The following is an entry in ClinVar:

NM_003105.6(SORL1):c.6431T>C (p.Leu2144Ser)

Gene: SORL1 (sortilin related receptor 1; plus strand). Cytogenetic location: 11q24.1.
Variant type: single nucleotide variant.
Coding change: c.6431T>C on transcript NM_003105.6 (MANE Select); coding-DNA position 6431, T replaced by C.
Protein change: p.Leu2144Ser; replaces leucine 2144 with serine.
Molecular consequence: missense variant.
Genome position (GRCh38, 1-based): chr11:121,627,621, T>C. VCF-style: chr11-121627621-T-C. GRCh37 (hg19) VCF-style: chr11-121498330-T-C.
Other names: short protein forms L2144S.
Identifiers: ClinVar variation 1427050 (VCV001427050.8), dbSNP rs767008189, ClinGen allele CA6330261.

ClinVar aggregate classification (germline): Uncertain significance (1 of 4 stars; one submission).

Allele frequency attached by ClinVar (database versions not stated): TOPMed below 0.00001; ExAC 0.00001; gnomAD 0.00001; gnomAD exomes 0.00001.
gnomAD v4.1: 9 of 1,614,100 alleles (0.00056%); highest among the groups gnomAD compares: Admixed American, 0.0033%; no homozygotes.

Submission:

Labcorp Genetics (formerly Invitae), Labcorp
Classification: Uncertain significance. Last evaluated: 2021-06-11. Review status: criteria provided, single submitter. Criteria: Invitae Variant Classification Sherloc (09022015). Collection method: clinical testing. Allele origin: germline.
Comment: In summary, the available evidence is currently insufficient to determine the role of this variant in disease. Therefore, it has been classified as a Variant of Uncertain Significance. Algorithms developed to predict the effect of missense changes on protein structure and function are either unavailable or do not agree on the potential impact of this missense change (SIFT: "Deleterious"; PolyPhen-2: "Probably Damaging"; Align-GVGD: "Class C0"). This variant has not been reported in the literature in individuals with SORL1-related conditions. This variant is present in population databases (rs767008189, ExAC 0.001%). This sequence change replaces leucine with serine at codon 2144 of the SORL1 protein (p.Leu2144Ser). The leucine residue is moderately conserved and there is a large physicochemical difference between leucine and serine.